The following is an entry in ClinVar:

NM_001365088.1(SLC12A6):c.3449C>G (p.Ser1150Ter)

Gene: SLC12A6 (solute carrier family 12 member 6; minus strand). Cytogenetic location: 15q14.
Variant type: single nucleotide variant.
Coding change: c.3449C>G on transcript NM_001365088.1 (MANE Select); coding-DNA position 3449, C replaced by G.
Protein change: p.Ser1150Ter; replaces serine 1150 with a stop codon.
Molecular consequence: nonsense.
Genome position (GRCh38, 1-based): chr15:34,233,885, G>C on the plus strand (C>G on the coding strand, the complement: SLC12A6 is on the minus strand). VCF-style: chr15-34233885-G-C. GRCh37 (hg19) VCF-style: chr15-34526086-G-C.
Other names: c.3272C>G, p.Ser1091Ter (NM_001042494.2, NM_001042495.2); c.3422C>G, p.Ser1141Ter (NM_001042496.2); c.3404C>G, p.Ser1135Ter (NM_001042497.2); c.3296C>G, p.Ser1099Ter (NM_005135.2); c.3449C>G, p.Ser1150Ter (NM_133647.2); short protein forms S1091*, S1099*, S1135*, S1141*, S1150*.
Identifiers: ClinVar variation 4853625 (VCV004853625.1).

ClinVar aggregate classification (germline): Uncertain significance (1 of 4 stars; one submission).

gnomAD v4.1: 1 of 1,560,888 alleles (0.000064%); highest among the groups gnomAD compares: Non-Finnish European, 0.000088%; no homozygotes.

Submission:

Women's Health and Genetics/Laboratory Corporation of America, LabCorp
Classification: Uncertain significance. Last evaluated: 2026-05-01. Review status: criteria provided, single submitter. Criteria: LabCorp Variant Classification Summary - May 2015. Collection method: clinical testing. Allele origin: germline.
Comment: Variant summary: SLC12A6 c.3449C>G (p.Ser1150X) results in a premature termination codon in the last exon, predicted to cause a truncation (deletion of the last amino acid) of the encoded protein, however, nonsense-mediated decay is not expected ot occur. The variant was absent in 251416 control chromosomes. The available data on variant occurrences in the general population are insufficient to allow any conclusion about variant significance. To our knowledge, no occurrence of c.3449C>G in individuals affected with SLC12A6-related conditions and no experimental evidence demonstrating its impact on protein function have been reported. No submitters have cited clinical-significance assessments for this variant to ClinVar. Based on the evidence outlined above, the variant was classified as uncertain significance.